The following continues an entry in ClinVar:

NM_032043.3(BRIP1):c.2220G>T (p.Gln740His)

Gene: BRIP1. ClinVar aggregate classification (germline): Conflicting classifications of pathogenicity. Uncertain significance (11); Likely benign (14).

Submissions 22 to 31 of 31:

Institute of Human Genetics, University of Leipzig Medical Center
Classification: Uncertain significance for Familial cancer of breast. Last evaluated: 2019-01-01. Review status: criteria provided, single submitter. Criteria: ACMG Guidelines, 2015. Collection method: clinical testing. Allele origin: unknown. Affected: no.

GeneKor MSA
Classification: Uncertain significance for Hereditary cancer-predisposing syndrome. Last evaluated: 2018-08-01. Review status: criteria provided, single submitter. Criteria: ACMG Guidelines, 2015. Collection method: clinical testing. Allele origin: germline. Affected: yes.

Women's Health and Genetics/Laboratory Corporation of America, LabCorp
Classification: Likely benign. Last evaluated: 2016-09-02. Review status: criteria provided, single submitter. Criteria: LabCorp Variant Classification Summary - May 2015. Collection method: clinical testing. Allele origin: germline.
Comment: Variant summary: The BRIP1 c.2220G>T (p.Gln740His) variant involves the alteration of a non-conserved nucleotide. 3/4 in silico tools predict a damaging outcome for this variant (SNPs&GO not captured due to low reliability index). This variant was found in 58/133810 control chromosomes at a frequency of 0.0004335, which is approximately 7 times the estimated maximal expected allele frequency of a pathogenic BRIP1 variant (0.0000625), suggesting this variant is likely a benign polymorphism. This variant has been reported in multiple cancer patients, however, a case-control study showed that this variant was not associated with breast cancer (OR=0.638, P=0.49, Haiman_2013). In addition, two patients carry the variant of interest and a pathogenic variant, homozygous MUTYH c.1187G>A/p.Gly396Asp and PALB2 c.3113G>A/W1038X, respectively (Yurgelun_2015, Kahn_2016), suggesting the variant of interest may be benign. On the other hand, multiple clinical diagnostic laboratories/reputable databases classified this variant as uncertain significance. Taken together, this variant is classified as likely benign.

Genetic Services Laboratory, University of Chicago
Classification: Uncertain significance. Last evaluated: 2016-04-20. Review status: criteria provided, single submitter. Criteria: ACMG Guidelines, 2015. Collection method: clinical testing. Allele origin: germline. Affected: no.

PreventionGenetics, part of Exact Sciences
Classification: Likely benign for BRIP1-related condition. Last evaluated: 2023-05-17. Review status: no assertion criteria provided. Collection method: clinical testing. Allele origin: germline. Not counted in ClinVar's aggregate classification.
Comment: This variant is classified as likely benign based on ACMG/AMP sequence variant interpretation guidelines (Richards et al. 2015 PMID: 25741868, with internal and published modifications).

True Health Diagnostics
Classification: Uncertain significance for Hereditary cancer-predisposing syndrome. Last evaluated: 2018-04-09. Review status: no assertion criteria provided. Collection method: clinical testing. Allele origin: germline. Not counted in ClinVar's aggregate classification.

Counsyl
Classification: Uncertain significance for Fanconi anemia complementation group J. Last evaluated: 2016-08-23. Review status: no assertion criteria provided. Collection method: clinical testing. Allele origin: unknown. Not counted in ClinVar's aggregate classification.

Counsyl
Classification: Uncertain significance for Ovarian cancer. Last evaluated: 2016-08-23. Review status: no assertion criteria provided. Collection method: clinical testing. Allele origin: unknown. Not counted in ClinVar's aggregate classification.

ITMI
No classification provided. Condition: AllHighlyPenetrant. Last evaluated: 2013-09-19. Review status: no classification provided. Collection method: reference population. Allele origin: germline. Not counted in ClinVar's aggregate classification.
Comment: Please see associated publication for description of ethnicities

Department of Pathology and Laboratory Medicine, Sinai Health System
Classification: Uncertain significance for Malignant tumor of breast. Review status: no assertion criteria provided. Collection method: clinical testing. Allele origin: unknown. Affected: yes. Study: The Canadian Open Genetics Repository (COGR). Not counted in ClinVar's aggregate classification.
Comment: The BRIP1 p.Gln740His variant was identified in 32 of 48608 proband chromosomes (frequency: 0.0007) from individuals or families with breast, ovarian cancer or Lynch syndrome and was present in 7 of 14818 control chromosomes (frequency: 0.0006) from healthy individuals (Easton 2016, Jalkh 2017, Li 2015, Penkert 2018, Ramus 2015, Tung 2015, Yurgelun 2015). The variant was also identified in dbSNP (ID: rs45589637) as "With other allele", ClinVar (classified as uncertain significance by Invitae, Ambry Genetics and nine other submitters; as likely benign by Integrated Genetics/Laboratory Corporation of America and GeneDx). The variant was identified in control databases in 144 of 277004 chromosomes at a frequency of 0.0005 increasing the likelihood this could be a low frequency benign variant (Genome Aggregation Database Feb 27, 2017). The variant was observed in the following populations: African in 2 of 24024 chromosomes (freq: 0.00008), Other in 4 of 6460 chromosomes (freq: 0.0006), Latino in 48 of 34414 chromosomes (freq: 0.001), European in 82 of 126532 chromosomes (freq: 0.0007), Ashkenazi Jewish in 2 of 10148 chromosomes (freq: 0.0002), Finnish in 6 of 25780 chromosomes (freq: 0.0002); it was not observed in the East Asian, and South Asian populations. The p.Gln740 residue is conserved in mammals and computational analyses (PolyPhen-2, SIFT, AlignGVGD, BLOSUM, MutationTaster) provide inconsistent predictions regarding the impact to the protein; this information is not very predictive of pathogenicity. The variant occurs outside of the splicing consensus sequence and 2 of 4 in silico or computational prediction software programs (SpliceSiteFinder, MaxEntScan, NNSPLICE, GeneSplicer) predict a greater than 10% difference in splicing; this is not very predictive of pathogenicity. In summary, based on the above information the clinical significance of this variant cannot be determined with certainty at this time. This variant is classified as a variant of uncertain significance.

Literature cited by the submitters: PubMed 25186627 (cited by Quest Diagnostics Nichols Institute San Juan Capistrano and Counsyl); PubMed 26921362 (cited by Quest Diagnostics Nichols Institute San Juan Capistrano and Counsyl); PubMed 28202063 (cited by Quest Diagnostics Nichols Institute San Juan Capistrano and Ambry Genetics); PubMed 25980754 (cited by 3 submitters); PubMed 24728327 (cited by 5 submitters); PubMed 28678401 (cited by Quest Diagnostics Nichols Institute San Juan Capistrano); PubMed 27978560 (cited by Quest Diagnostics Nichols Institute San Juan Capistrano and Center for Genomic Medicine, Rigshospitalet, Copenhagen University Hospital); PubMed 30086788 (cited by Quest Diagnostics Nichols Institute San Juan Capistrano); PubMed 26534844 (cited by 3 submitters); PubMed 27547810 (cited by 3 submitters); PubMed 26315354 (cited by 3 submitters); PubMed 28528518 (cited by Quest Diagnostics Nichols Institute San Juan Capistrano); PubMed 39256447 (cited by Quest Diagnostics Nichols Institute San Juan Capistrano); PubMed 33115781 (cited by Quest Diagnostics Nichols Institute San Juan Capistrano and Center for Genomic Medicine, Rigshospitalet, Copenhagen University Hospital); PubMed 35534704 (cited by Quest Diagnostics Nichols Institute San Juan Capistrano); PubMed 35980532 (cited by Quest Diagnostics Nichols Institute San Juan Capistrano); PubMed 33471991 (cited by Quest Diagnostics Nichols Institute San Juan Capistrano); PubMed 35264596 (cited by Quest Diagnostics Nichols Institute San Juan Capistrano); PubMed 17033622 (cited by Quest Diagnostics Nichols Institute San Juan Capistrano and Women's Health and Genetics/Laboratory Corporation of America, LabCorp); PubMed 31822495 (cited by 3 submitters); PubMed 31159747 (cited by Quest Diagnostics Nichols Institute San Juan Capistrano); PubMed 23555315 (cited by Women's Health and Genetics/Laboratory Corporation of America, LabCorp and Counsyl).